The following is an entry in ClinVar:

ClinVar aggregate classification (germline): Uncertain significance. Review status: criteria provided, multiple submitters, no conflicts (2 of 4 stars). 3 submissions from 3 submitters: Uncertain significance (3). Last evaluated 2025-10-28.

Conditions:
Inborn genetic diseases. Identifiers: MedGen C0950123, MeSH D030342.
Charcot-Marie-Tooth disease axonal type 2C (HMSN2C). Also called: CHARCOT-MARIE-TOOTH DISEASE, AXONAL, AUTOSOMAL DOMINANT, TYPE 2C; Charcot-Marie-Tooth Neuropathy Type 2C; Charcot-Marie-Tooth Disease Type 2, TRPV4-Related (CMT2C). Identifiers: Orphanet 99937, MedGen C1853710, MONDO:0011633, OMIM 606071.
Charcot-Marie-Tooth disease axonal type 2X. Also called: CHARCOT-MARIE-TOOTH DISEASE, AXONAL, AUTOSOMAL RECESSIVE, TYPE 2X; CHARCOT-MARIE-TOOTH NEUROPATHY, TYPE 2X. Identifiers: Orphanet 466775, MedGen C5569024, MONDO:0014726, OMIM 616668.
Amyotrophic lateral sclerosis type 5 (ALS5). Also called: AMYOTROPHIC LATERAL SCLEROSIS 5, JUVENILE. Identifiers: Orphanet 300605, MedGen C1865864, MONDO:0011196, OMIM 602099.

Allele frequency attached by ClinVar (database versions not stated): TOPMed below 0.00001.
gnomAD v4.1: 1 of 1,614,076 alleles (0.000062%); highest among the groups gnomAD compares: Non-Finnish European, 0.000085%; no homozygotes.

Submissions (3):

Women's Health and Genetics/Laboratory Corporation of America, LabCorp
Classification: Uncertain significance. Last evaluated: 2025-10-28. Review status: criteria provided, single submitter. Criteria: LabCorp Variant Classification Summary - May 2015. Collection method: clinical testing. Allele origin: germline.
Comment: Variant summary: TRPV4 c.2246C>G (p.Pro749Arg) results in a non-conservative amino acid change in the encoded protein sequence. Algorithms developed to predict the effect of missense changes on protein structure and function all suggest that this variant is likely to be disruptive. The variant was absent in 250772 control chromosomes. The available data on variant occurrences in the general population are insufficient to allow any conclusion about variant significance. To our knowledge, no occurrence of c.2246C>G in individuals affected with TRPV4-related conditions and no experimental evidence demonstrating its impact on protein function have been reported. ClinVar contains an entry for this variant (Variation ID: 536859). Based on the evidence outlined above, the variant was classified as uncertain significance.

Ambry Genetics
Classification: Uncertain significance for Inborn genetic diseases. Last evaluated: 2022-09-27. Review status: criteria provided, single submitter. Criteria: Ambry Variant Classification Scheme 2023. Collection method: clinical testing. Allele origin: germline.

Labcorp Genetics (formerly Invitae), Labcorp
Classification: Uncertain significance for Charcot-Marie-Tooth disease axonal type 2C. Last evaluated: 2020-02-17. Review status: criteria provided, single submitter. Criteria: Invitae Variant Classification Sherloc (09022015). Collection method: clinical testing. Allele origin: germline.
Comment: This variant has not been reported in the literature in individuals with TRPV4-related disease. Algorithms developed to predict the effect of missense changes on protein structure and function do not agree on the potential impact of this missense change (SIFT: "Tolerated"; PolyPhen-2: "Probably Damaging"; Align-GVGD: "Class C0"). In summary, the available evidence is currently insufficient to determine the role of this variant in disease. Therefore, it has been classified as a Variant of Uncertain Significance. This sequence change replaces proline with arginine at codon 749 of the TRPV4 protein (p.Pro749Arg). The proline residue is highly conserved and there is a moderate physicochemical difference between proline and arginine. This variant is not present in population databases (ExAC no frequency).

NM_021625.5(TRPV4):c.2246C>G (p.Pro749Arg)

Gene: TRPV4 (transient receptor potential cation channel subfamily V member 4; minus strand). Cytogenetic location: 12q24.11.
Variant type: single nucleotide variant.
Coding change: c.2246C>G on transcript NM_021625.5 (MANE Select); coding-DNA position 2246, C replaced by G.
Protein change: p.Pro749Arg; replaces proline 749 with arginine.
Molecular consequence: missense variant.
Genome position (GRCh38, 1-based): chr12:109,786,800, G>C on the plus strand (C>G on the coding strand, the complement: TRPV4 is on the minus strand). VCF-style: chr12-109786800-G-C. GRCh37 (hg19) VCF-style: chr12-110224605-G-C.
Other names: c.2105C>G, p.Pro702Arg (NM_001177428.2); c.2144C>G, p.Pro715Arg (NM_001177431.2); c.1925C>G, p.Pro642Arg (NM_001177433.2); c.2066C>G, p.Pro689Arg (NM_147204.3); short protein forms P749R, P715R, P642R, P689R, P702R.
Identifiers: ClinVar variation 536859 (VCV000536859.12), dbSNP rs1555205050, ClinGen allele CA386649522.